The following is an entry in ClinVar:

ClinVar aggregate classification (germline): Uncertain significance. Review status: reviewed by expert panel (3 of 4 stars). 4 submissions from 4 submitters: Uncertain significance (1). 3 of the submissions do not count toward it. Last evaluated 2025-10-15.

Conditions:
Cerebral creatine deficiency syndrome. Also called: Creatine deficiency syndromes. Identifiers: Orphanet 79172, MedGen C5244016, MONDO:0000456.
Deficiency of guanidinoacetate methyltransferase (CCDS2). Also called: GAMT DEFICIENCY; Guanidinoacetate Methyltransferase (GAMT) Deficiency; CEREBRAL CREATINE DEFICIENCY SYNDROME 2. Identifiers: Orphanet 382, MedGen C0574080, MONDO:0012999, OMIM 612736.

Allele frequency attached by ClinVar (database versions not stated): ExAC 0.00004; ESP Exome Variant Server 0.00008; gnomAD exomes below 0.00001 and 0.00001; gnomAD 0.00001; TOPMed 0.00002.

Submissions (4):

ClinGen Cerebral Creatine Deficiency Syndromes Variant Curation Expert Panel, ClinGen
Classification: Uncertain significance for Deficiency of guanidinoacetate methyltransferase. Last evaluated: 2025-10-15. Review status: reviewed by expert panel. Criteria: ClinGen CCDS ACMG Specifications GAMT V2.0.0. Collection method: curation. Allele origin: germline. Inheritance: Autosomal recessive inheritance.
Comment: The NM_000156.6:c.317A>C variant in GAMT is a missense variant that is predicted to result in the substitution of glutamine by proline at amino acid 106 (p.Gln106Pro). The highest population minor allele frequency in gnomAD v4.1.0. is is 0.000040617 (3/73860 alleles) in the African/African American population, which is lower than the ClinGen CCDS VCEP’s threshold for PM2_Supporting (<0.0004), meeting this criterion (PM2_Supporting). In HeLa cells, expression of the variant resulted in <15% of wild-type GAMT enzyme activity (PMID: 26003046) (PS3_Supporting). The computational predictor REVEL gives a score of 0.751 which is in the range of 0.644-0.773, evidence that correlates with impact to GAMT function at the supporting level (PP3). To our knowledge, this variant has not been reported in an individual with GAMT deficiency in the published literature. There is a ClinVar entry for this variant (Variation ID: 449690). In summary, this variant meets the criteria to be classified as a variant of uncertain significance for GAMT deficiency. GAMT-specific ACMG/AMP criteria applied, as specified by the ClinGen Cerebral Creatine Deficiency Syndromes Variant Curation Expert Panel (Specifications Version 2.0.0): PP3, PS3_Supporting, PM2_Supporting. (Classification approved by the ClinGen Cerebral Creatine Deficiency Syndromes Variant Curation Expert Panel on October 15, 2025)

Labcorp Genetics (formerly Invitae), Labcorp
Classification: Uncertain significance for Cerebral creatine deficiency syndrome. Last evaluated: 2023-12-18. Review status: criteria provided, single submitter. Criteria: Invitae Variant Classification Sherloc (09022015). Collection method: clinical testing. Allele origin: germline. Not counted in ClinVar's aggregate classification.
Comment: This sequence change replaces glutamine, which is neutral and polar, with proline, which is neutral and non-polar, at codon 106 of the GAMT protein (p.Gln106Pro). This variant is present in population databases (rs145817990, gnomAD 0.02%). This variant has not been reported in the literature in individuals affected with GAMT-related conditions. ClinVar contains an entry for this variant (Variation ID: 449690). Advanced modeling of protein sequence and biophysical properties (such as structural, functional, and spatial information, amino acid conservation, physicochemical variation, residue mobility, and thermodynamic stability) has been performed at Invitae for this missense variant, however the output from this modeling did not meet the statistical confidence thresholds required to predict the impact of this variant on GAMT protein function. Experimental studies have shown that this missense change affects GAMT function (PMID: 26003046). In summary, the available evidence is currently insufficient to determine the role of this variant in disease. Therefore, it has been classified as a Variant of Uncertain Significance.

Broad Center for Mendelian Genomics, Broad Institute of MIT and Harvard
Classification: Uncertain significance for Cerebral creatine deficiency syndrome. Last evaluated: 2021-11-02. Review status: criteria provided, single submitter. Criteria: ACMG Guidelines, 2015. Collection method: curation. Allele origin: germline. Inheritance: Autosomal recessive inheritance. Not counted in ClinVar's aggregate classification.
Comment: The p.Gln106Pro variant in GAMT has not been previously reported in individuals with cerebral creatine deficiency syndrome but has been identified in 0.02% (3/19226) of African/African-American chromosomes by the Genome Aggregation Database (gnomAD; dbSNP ID: rs145817990). Although this variant has been seen in the general population in a heterozygous state, its frequency is low enough to be consistent with a recessive carrier frequency. This variant has also been reported in ClinVar (Variation ID#: 449690) and has been interpreted as likely pathogenic by GeneDx. In vitro functional studies provide some evidence that the p.Gln106Pro variant may slightly impact protein function (PMID: 26003046). However, these types of assays may not accurately represent biological function. Computational prediction tools and conservation analyses suggest that this variant may impact the protein, though this information is not predictive enough to determine pathogenicity. In summary, the clinical significance of the p.Gln106Pro variant is uncertain. ACMG/AMP Criteria applied: PS3_supporting, PP3, PM2_supporting (Richards 2015).

GeneDx
Classification: Likely pathogenic. Last evaluated: 2017-10-19. Review status: criteria provided, single submitter. Criteria: GeneDx Variant Classification (06012015). Collection method: clinical testing. Allele origin: germline. Affected: yes. Not counted in ClinVar's aggregate classification.
Comment: A variant that is likely pathogenic has been identified in the GAMT gene. Functional studies of the Q106P variant demonstrate a significant decrease of GAMT enzyme activity in HeLa cells, thus indicating pathogenicity (Desroches et al., 2015). The Q106P variant is not observed at a significant frequency in large population cohorts (Lek et al., 2016). The Q106P variant is a non-conservative amino acid substitution, which is likely to impact secondary protein structure as these residues differ in polarity, charge, size and/or other properties. This substitution occurs at a position that is conserved across species; and in silico analysis predicts this variant is probably damaging to the protein structure/function. Therefore, this variant is likely pathogenic; however, the possibility that it is benign cannot be excluded.

Literature cited by the submitters: PubMed 26003046 (cited by Labcorp Genetics (formerly Invitae), Labcorp and Broad Center for Mendelian Genomics, Broad Institute of MIT and Harvard).

NM_000156.6(GAMT):c.317A>C (p.Gln106Pro)

Gene: GAMT (guanidinoacetate N-methyltransferase; minus strand). Cytogenetic location: 19p13.3.
Variant type: single nucleotide variant.
Coding change: c.317A>C on transcript NM_000156.6 (MANE Select); coding-DNA position 317, A replaced by C.
Protein change: p.Gln106Pro; replaces glutamine 106 with proline.
Molecular consequence: missense variant.
Genome position (GRCh38, 1-based): chr19:1,399,803, T>G on the plus strand (A>C on the coding strand, the complement: GAMT is on the minus strand). VCF-style: chr19-1399803-T-G. GRCh37 (hg19) VCF-style: chr19-1399802-T-G.
Other names: NM_000156.6(GAMT):c.317A>C; p.Gln106Pro; c.317A>C, p.Gln106Pro (NM_138924.3); short protein forms Q106P.
Identifiers: ClinVar variation 449690 (VCV000449690.7), dbSNP rs145817990, ClinGen allele CA9043739.
Genomic context (GRCh38, chr19:1,399,803, plus strand): 5'-CCTCACCCCAAGGAGTGGGGGTCCTGGAGGGCCTGCGGGCAGAGGGGCACCTTGTGTGTC[T>G]GCCGTGGGGCCCAGTCCCGGAGCCGCTGGAAGACGCCGTCATTGCACTCGATGATCCAAT-3'
Protein context (NP_000147.1, residues 96-116): FQRLRDWAPR[Gln106Pro]THKVIPLKGL